The following is an entry in ClinVar:

ClinVar aggregate classification (germline): Uncertain significance. Review status: criteria provided, multiple submitters, no conflicts (2 of 4 stars). 2 submissions from 2 submitters: Uncertain significance (2). Last evaluated 2025-08-26.

Conditions:
Leber congenital amaurosis 6 (LCA6). Identifiers: Orphanet 65, MedGen C1854260, MONDO:0013446, OMIM 613826.
Cone-rod dystrophy 13 (CORD13). Identifiers: Orphanet 1872, MedGen C2750720, MONDO:0011987, OMIM 608194.

Allele frequency attached by ClinVar (database versions not stated): gnomAD exomes below 0.00001; ExAC 0.00002; TOPMed 0.00002; gnomAD 0.00003; 1000 Genomes Project 30x 0.00016; ESP Exome Variant Server 0.00017.
gnomAD v4.1: 6 of 1,612,860 alleles (0.00037%); highest among the groups gnomAD compares: African/African-American, 0.0013%; no homozygotes.

Submissions (2):

Labcorp Genetics (formerly Invitae), Labcorp
Classification: Uncertain significance for Leber congenital amaurosis 6; Cone-rod dystrophy 13. Last evaluated: 2025-08-26. Review status: criteria provided, single submitter. Criteria: Invitae Variant Classification Sherloc (09022015). Collection method: clinical testing. Allele origin: germline.
Comment: This sequence change replaces threonine, which is neutral and polar, with isoleucine, which is neutral and non-polar, at codon 82 of the RPGRIP1 protein (p.Thr82Ile). This variant is present in population databases (rs371371555, gnomAD 0.007%). This variant has not been reported in the literature in individuals affected with RPGRIP1-related conditions. ClinVar contains an entry for this variant (Variation ID: 1896108). Invitae Evidence Modeling of protein sequence and biophysical properties (such as structural, functional, and spatial information, amino acid conservation, physicochemical variation, residue mobility, and thermodynamic stability) indicates that this missense variant is not expected to disrupt RPGRIP1 protein function with a negative predictive value of 80%. In summary, the available evidence is currently insufficient to determine the role of this variant in disease. Therefore, it has been classified as a Variant of Uncertain Significance.

Blueprint Genetics
Classification: Uncertain significance. Last evaluated: 2018-08-16. Review status: criteria provided, single submitter. Criteria: ACMG Guidelines, 2015. Collection method: clinical testing. Allele origin: germline.

NM_020366.4(RPGRIP1):c.245C>T (p.Thr82Ile)

Gene: RPGRIP1 (RPGR interacting protein 1; plus strand). Cytogenetic location: 14q11.2.
Variant type: single nucleotide variant.
Coding change: c.245C>T on transcript NM_020366.4 (MANE Select); coding-DNA position 245, C replaced by T.
Protein change: p.Thr82Ile; replaces threonine 82 with isoleucine.
Molecular consequence: missense variant.
Genome position (GRCh38, 1-based): chr14:21,300,992, C>T. VCF-style: chr14-21300992-C-T. GRCh37 (hg19) VCF-style: chr14-21769151-C-T.
Other names: short protein forms T82I.
Identifiers: ClinVar variation 1896108 (VCV001896108.4), dbSNP rs371371555, ClinGen allele CA7088617.